The following is an entry in ClinVar:

ClinVar aggregate classification (germline): Benign/Likely benign. Review status: criteria provided, multiple submitters, no conflicts (2 of 4 stars). 4 submissions from 4 submitters: Benign (1); Likely benign (3). Last evaluated 2026-06-24.

Conditions:
Brugada syndrome. Also called: Sudden Unexplained Death Syndrome; Sudden Unexplained Nocturnal Death Syndrome (SUNDS); Sudden unexplained nocturnal death syndrome; Sudden unexpected nocturnal death syndrome. Identifiers: Orphanet 130, MedGen C1142166, MONDO:0015263.
SCN10A-related disorder. Also called: SCN10A-related condition.
Cardiovascular phenotype. Identifiers: MedGen CN230736.

Allele frequency attached by ClinVar (database versions not stated): ExAC 0.00008; ESP Exome Variant Server 0.00008; gnomAD exomes 0.00010; gnomAD 0.00015; 1000 Genomes Project 30x 0.00016; 1000 Genomes Project 0.00020; TOPMed 0.00022.
gnomAD v4.1: 57 of 1,590,894 alleles (0.0036%); highest among the groups gnomAD compares: African/African-American, 0.05%; no homozygotes.

Submissions (4):

PreventionGenetics, part of Exact Sciences
Classification: Likely benign for SCN10A-related condition. Last evaluated: 2026-06-24. Review status: criteria provided, single submitter. Criteria: ACMG Guidelines, 2015. Collection method: clinical testing. Allele origin: germline.
Comment: This variant is classified as likely benign based on ACMG/AMP sequence variant interpretation guidelines (Richards et al. 2015 PMID: 25741868, with internal and published modifications).

Labcorp Genetics (formerly Invitae), Labcorp
Classification: Likely benign for Brugada syndrome. Last evaluated: 2025-10-14. Review status: criteria provided, single submitter. Criteria: Invitae Variant Classification Sherloc (09022015). Collection method: clinical testing. Allele origin: germline.

Mayo Clinic Laboratories, Mayo Clinic
Classification: Likely benign. Last evaluated: 2025-03-18. Review status: criteria provided, single submitter. Criteria: ACMG Guidelines, 2015. Collection method: clinical testing. Allele origin: germline. Observed: 1 variant allele.
Comment: BS2, BP4

Ambry Genetics
Classification: Benign for Cardiovascular phenotype. Last evaluated: 2021-04-13. Review status: criteria provided, single submitter. Criteria: Ambry Variant Classification Scheme 2023. Collection method: clinical testing. Allele origin: germline.

NM_006514.4(SCN10A):c.1477G>A (p.Ala493Thr)

Gene: SCN10A (sodium voltage-gated channel alpha subunit 10; minus strand). Cytogenetic location: 3p22.2.
Variant type: single nucleotide variant.
Coding change: c.1477G>A on transcript NM_006514.4 (MANE Select); coding-DNA position 1477, G replaced by A.
Protein change: p.Ala493Thr; replaces alanine 493 with threonine.
Molecular consequence: missense variant. On other transcripts: intron variant (1).
Genome position (GRCh38, 1-based): chr3:38,752,497, C>T on the plus strand (G>A on the coding strand, the complement: SCN10A is on the minus strand). VCF-style: chr3-38752497-C-T. GRCh37 (hg19) VCF-style: chr3-38793988-C-T.
Other names: p.Ala493Thr; c.1477G>A, p.Ala493Thr (NM_001293306.2); c.1462-2313G>A (NM_001293307.2); short protein forms A493T.
Identifiers: ClinVar variation 948476 (VCV000948476.13), dbSNP rs146596599, ClinGen allele CA2320840.